The following is an entry in ClinVar:

NM_001256012.3(MYH10):c.1339G>C (p.Val447Leu)

Gene: MYH10 (myosin heavy chain 10; minus strand). Cytogenetic location: 17p13.1.
Variant type: single nucleotide variant.
Coding change: c.1339G>C on transcript NM_001256012.3 (MANE Select); coding-DNA position 1339, G replaced by C.
Protein change: p.Val447Leu; replaces valine 447 with leucine.
Molecular consequence: missense variant.
Genome position (GRCh38, 1-based): chr17:8,545,540, C>G on the plus strand (G>C on the coding strand, the complement: MYH10 is on the minus strand). VCF-style: chr17-8545540-C-G. GRCh37 (hg19) VCF-style: chr17-8448858-C-G.
Other names: c.1336G>C, p.Val446Leu (NM_001256095.2); c.1339G>C, p.Val447Leu (NM_001375266.1); c.1309G>C, p.Val437Leu (NM_005964.5); short protein forms V446L, V447L, V437L.
Identifiers: ClinVar variation 3731098 (VCV003731098.1).

ClinVar aggregate classification (germline): Uncertain significance (1 of 4 stars; one submission).

Submission:

GeneDx
Classification: Uncertain significance. Last evaluated: 2024-08-12. Review status: criteria provided, single submitter. Criteria: GeneDx Variant Classification Process June 2021. Collection method: clinical testing. Allele origin: germline. Affected: yes.
Comment: Not observed at significant frequency in large population cohorts (gnomAD); In silico analysis indicates that this missense variant does not alter protein structure/function; Has not been previously published as pathogenic or benign to our knowledge